The following is an entry in ClinVar:

ClinVar aggregate classification (germline): Uncertain significance (1 of 4 stars; one submission).

Allele frequency attached by ClinVar (database versions not stated): TOPMed below 0.00001; gnomAD exomes 0.00001; ExAC 0.00002.
gnomAD v4.1: 9 of 1,614,116 alleles (0.00056%); highest among the groups gnomAD compares: South Asian, 0.0099%; no homozygotes.

Submission:

Labcorp Genetics (formerly Invitae), Labcorp
Classification: Uncertain significance. Last evaluated: 2022-11-30. Review status: criteria provided, single submitter. Criteria: Invitae Variant Classification Sherloc (09022015). Collection method: clinical testing. Allele origin: germline.
Comment: In summary, the available evidence is currently insufficient to determine the role of this variant in disease. Therefore, it has been classified as a Variant of Uncertain Significance. Advanced modeling of protein sequence and biophysical properties (such as structural, functional, and spatial information, amino acid conservation, physicochemical variation, residue mobility, and thermodynamic stability) has been performed at Invitae for this missense variant, however the output from this modeling did not meet the statistical confidence thresholds required to predict the impact of this variant on GSN protein function. This variant has not been reported in the literature in individuals affected with GSN-related conditions. This variant is present in population databases (rs760207436, gnomAD 0.01%). This sequence change replaces valine, which is neutral and non-polar, with methionine, which is neutral and non-polar, at codon 747 of the GSN protein (p.Val747Met).

NM_198252.3(GSN):c.2086G>A (p.Val696Met)

Gene: GSN (gelsolin; plus strand). Cytogenetic location: 9q33.2.
Variant type: single nucleotide variant.
Coding change: c.2086G>A on transcript NM_198252.3 (MANE Select); coding-DNA position 2086, G replaced by A.
Protein change: p.Val696Met; replaces valine 696 with methionine.
Molecular consequence: missense variant.
Genome position (GRCh38, 1-based): chr9:121,332,493, G>A. VCF-style: chr9-121332493-G-A. GRCh37 (hg19) VCF-style: chr9-124094771-G-A.
Other names: c.2239G>A, p.Val747Met (NM_000177.5); c.2086G>A, p.Val696Met (NM_001127662.2, NM_001127664.2, NM_001127665.2 and 10 more transcripts); c.2194G>A, p.Val732Met (NM_001127663.2); c.2119G>A, p.Val707Met (NM_001127666.2, NM_001127667.2, NM_001353063.2 and 13 more transcripts); c.2137G>A, p.Val713Met (NM_001258029.2); c.2110G>A, p.Val704Met (NM_001258030.2); c.1432G>A, p.Val478Met (NM_001353078.2); c.2158G>A, p.Val720Met (NM_001353076.2); short protein forms V707M, V696M, V732M, V478M, V704M, V713M, V720M, V747M.
Identifiers: ClinVar variation 2899909 (VCV002899909.3), dbSNP rs760207436, ClinGen allele CA5221541.